The following is an entry in ClinVar:

ClinVar aggregate classification (germline): Uncertain significance (1 of 4 stars; one submission).

Conditions:
Peroxisome biogenesis disorder 3A (Zellweger). Also called: PEROXISOMAL BIOGENESIS DISORDER 3A (ZELLWEGER); Peroxisome biogenesis disorder 3A. Identifiers: Orphanet 912, MedGen C3553929, MONDO:0013927, OMIM 614859.

gnomAD v4.1: 1 of 1,614,058 alleles (0.000062%); highest among the groups gnomAD compares: Non-Finnish European, 0.000085%; no homozygotes.

Submission:

Labcorp Genetics (formerly Invitae), Labcorp
Classification: Uncertain significance for Peroxisome biogenesis disorder 3A (Zellweger). Last evaluated: 2022-05-19. Review status: criteria provided, single submitter. Criteria: Invitae Variant Classification Sherloc (09022015). Collection method: clinical testing. Allele origin: germline.
Comment: This sequence change replaces glycine, which is neutral and non-polar, with serine, which is neutral and polar, at codon 254 of the PEX12 protein (p.Gly254Ser). This variant is not present in population databases (gnomAD no frequency). This variant has not been reported in the literature in individuals affected with PEX12-related conditions. Algorithms developed to predict the effect of missense changes on protein structure and function output the following: SIFT: "Tolerated"; PolyPhen-2: "Benign"; Align-GVGD: "Class C0". The serine amino acid residue is found in multiple mammalian species, which suggests that this missense change does not adversely affect protein function. In summary, the available evidence is currently insufficient to determine the role of this variant in disease. Therefore, it has been classified as a Variant of Uncertain Significance.

NM_000286.3(PEX12):c.760G>A (p.Gly254Ser)

Gene: PEX12 (peroxisomal biogenesis factor 12; minus strand). Cytogenetic location: 17q12.
Variant type: single nucleotide variant.
Coding change: c.760G>A on transcript NM_000286.3 (MANE Select); coding-DNA position 760, G replaced by A.
Protein change: p.Gly254Ser; replaces glycine 254 with serine.
Molecular consequence: missense variant.
Genome position (GRCh38, 1-based): chr17:35,576,102, C>T on the plus strand (G>A on the coding strand, the complement: PEX12 is on the minus strand). VCF-style: chr17-35576102-C-T. GRCh37 (hg19) VCF-style: chr17-33903121-C-T.
Other names: short protein forms G254S.
Identifiers: ClinVar variation 1973819 (VCV001973819.2), dbSNP rs768447498, ClinGen allele CA399137446.